The following is an entry in ClinVar:

ClinVar aggregate classification (germline): Likely benign (1 of 4 stars; one submission).

Submission:

CeGaT Center for Human Genetics Tuebingen
Classification: Likely benign. Last evaluated: 2025-01-01. Review status: criteria provided, single submitter. Criteria: CeGaT Center For Human Genetics Tuebingen Variant Classification Criteria Version 2. Collection method: clinical testing. Allele origin: germline. Affected: yes. Observed: 1 variant allele.
Comment: LRIT1: PM2:Supporting, BP4, BP7

NM_015613.3(LRIT1):c.612A>G (p.Ala204=)

Gene: LRIT1 (leucine rich repeat, Ig-like and transmembrane domains 1; minus strand). Cytogenetic location: 10q23.1.
Variant type: single nucleotide variant.
Coding change: c.612A>G on transcript NM_015613.3 (MANE Select); coding-DNA position 612, A replaced by G.
Protein change: p.Ala204=; no amino-acid change (alanine 204 retained).
Molecular consequence: synonymous variant.
Genome position (GRCh38, 1-based): chr10:84,234,356, T>C on the plus strand (A>G on the coding strand, the complement: LRIT1 is on the minus strand). VCF-style: chr10-84234356-T-C. GRCh37 (hg19) VCF-style: chr10-85994112-T-C.
Identifiers: ClinVar variation 3771928 (VCV003771928.13).